The following is an entry in ClinVar:

ClinVar aggregate classification (germline): Uncertain significance (1 of 4 stars; one submission).

Submission:

Labcorp Genetics (formerly Invitae), Labcorp
Classification: Uncertain significance. Last evaluated: 2025-10-04. Review status: criteria provided, single submitter. Criteria: Invitae Variant Classification Sherloc (09022015). Collection method: clinical testing. Allele origin: germline.
Comment: This sequence change replaces serine, which is neutral and polar, with asparagine, which is neutral and polar, at codon 273 of the MMP9 protein (p.Ser273Asn). This variant is not present in population databases (gnomAD no frequency). This variant has not been reported in the literature in individuals affected with MMP9-related conditions. Invitae Evidence Modeling of protein sequence and biophysical properties (such as structural, functional, and spatial information, amino acid conservation, physicochemical variation, residue mobility, and thermodynamic stability) indicates that this missense variant is not expected to disrupt MMP9 protein function with a negative predictive value of 80%. In summary, the available evidence is currently insufficient to determine the role of this variant in disease. Therefore, it has been classified as a Variant of Uncertain Significance.

NM_004994.3(MMP9):c.818G>A (p.Ser273Asn)

Gene: MMP9 (matrix metallopeptidase 9; plus strand). Cytogenetic location: 20q13.12.
Variant type: single nucleotide variant.
Coding change: c.818G>A on transcript NM_004994.3 (MANE Select); coding-DNA position 818, G replaced by A.
Protein change: p.Ser273Asn; replaces serine 273 with asparagine.
Molecular consequence: missense variant.
Genome position (GRCh38, 1-based): chr20:46,011,311, G>A. VCF-style: chr20-46011311-G-A. GRCh37 (hg19) VCF-style: chr20-44639950-G-A.
Other names: short protein forms S273N.
Identifiers: ClinVar variation 4744337 (VCV004744337.1).